The following is an entry in ClinVar:

ClinVar aggregate classification (germline): Uncertain significance (1 of 4 stars; one submission).

Submission:

Labcorp Genetics (formerly Invitae), Labcorp
Classification: Uncertain significance. Last evaluated: 2025-03-09. Review status: criteria provided, single submitter. Criteria: Invitae Variant Classification Sherloc (09022015). Collection method: clinical testing. Allele origin: germline.
Comment: This sequence change replaces valine, which is neutral and non-polar, with alanine, which is neutral and non-polar, at codon 549 of the PLEKHM2 protein (p.Val549Ala). The frequency data for this variant in the population databases is considered unreliable, as metrics indicate poor data quality at this position in the gnomAD database. This variant has not been reported in the literature in individuals affected with PLEKHM2-related conditions. An algorithm developed to predict the effect of missense changes on protein structure and function outputs the following: PolyPhen-2: "Benign". The alanine amino acid residue is found in multiple mammalian species, which suggests that this missense change does not adversely affect protein function. In summary, the available evidence is currently insufficient to determine the role of this variant in disease. Therefore, it has been classified as a Variant of Uncertain Significance.

NM_015164.4(PLEKHM2):c.1646T>C (p.Val549Ala)

Gene: PLEKHM2 (pleckstrin homology and RUN domain containing M2; plus strand). Cytogenetic location: 1p36.21.
Variant type: single nucleotide variant.
Coding change: c.1646T>C on transcript NM_015164.4 (MANE Select); coding-DNA position 1646, T replaced by C.
Protein change: p.Val549Ala; replaces valine 549 with alanine.
Molecular consequence: missense variant.
Genome position (GRCh38, 1-based): chr1:15,727,718, T>C. VCF-style: chr1-15727718-T-C. GRCh37 (hg19) VCF-style: chr1-16054213-T-C.
Other names: c.1586T>C, p.Val529Ala (NM_001410755.1); short protein forms V549A, V529A.
Identifiers: ClinVar variation 3665057 (VCV003665057.2).